The following is an entry in ClinVar:

ClinVar aggregate classification (germline): Uncertain significance. Review status: criteria provided, multiple submitters, no conflicts (2 of 4 stars). 2 submissions from 2 submitters: Uncertain significance (2). Last evaluated 2022-12-16.

Conditions:
Hyperkalemic periodic paralysis. Also called: Familial hyperkalemic periodic paralysis; Gamstorp disease. Identifiers: Orphanet 682, MedGen C0238357, MONDO:0008224, OMIM 170500, HP:0007215.

Allele frequency attached by ClinVar (database versions not stated): ExAC 0.00002; gnomAD exomes 0.00002 and 0.00001; gnomAD 0.00001; TOPMed 0.00001.
gnomAD v4.1: 17 of 1,613,834 alleles (0.0011%); highest among the groups gnomAD compares: Middle Eastern, 0.016%; no homozygotes.

Submissions (2):

Labcorp Genetics (formerly Invitae), Labcorp
Classification: Uncertain significance for Hyperkalemic periodic paralysis. Last evaluated: 2022-12-16. Review status: criteria provided, single submitter. Criteria: Invitae Variant Classification Sherloc (09022015). Collection method: clinical testing. Allele origin: germline.
Comment: This variant is present in population databases (rs748313755, gnomAD 0.003%). This sequence change replaces threonine, which is neutral and polar, with asparagine, which is neutral and polar, at codon 1369 of the SCN4A protein (p.Thr1369Asn). This missense change has been observed in individual(s) with autosomal dominant SCN4A-related conditions (PMID: 33263785). ClinVar contains an entry for this variant (Variation ID: 425142). Advanced modeling of protein sequence and biophysical properties (such as structural, functional, and spatial information, amino acid conservation, physicochemical variation, residue mobility, and thermodynamic stability) performed at Invitae indicates that this missense variant is expected to disrupt SCN4A protein function. In summary, the available evidence is currently insufficient to determine the role of this variant in disease. Therefore, it has been classified as a Variant of Uncertain Significance.

CeGaT Center for Human Genetics Tuebingen
Classification: Uncertain significance. Last evaluated: 2017-01-01. Review status: criteria provided, single submitter. Criteria: CeGaT Center For Human Genetics Tuebingen Variant Classification Criteria Version 2. Collection method: clinical testing. Allele origin: germline. Affected: yes. Observed: 1 variant allele.

Literature cited by the submitters: PubMed 33263785 (cited by Labcorp Genetics (formerly Invitae), Labcorp).

NM_000334.4(SCN4A):c.4106C>A (p.Thr1369Asn)

Genes: GH-LCR (growth hormone locus control region; plus strand), SCN4A (sodium voltage-gated channel alpha subunit 4; minus strand). Cytogenetic location: 17q23.3.
Variant type: single nucleotide variant.
Coding change: c.4106C>A on transcript NM_000334.4 (MANE Select); coding-DNA position 4106, C replaced by A.
Protein change: p.Thr1369Asn; replaces threonine 1369 with asparagine.
Molecular consequence: missense variant.
Genome position (GRCh38, 1-based): chr17:63,943,008, G>T on the plus strand (C>A on the coding strand, the complement: SCN4A is on the minus strand). VCF-style: chr17-63943008-G-T. GRCh37 (hg19) VCF-style: chr17-62020368-G-T.
Other names: short protein forms T1369N.
Identifiers: ClinVar variation 425142 (VCV000425142.47), dbSNP rs748313755, ClinGen allele CA8709051.